The following is an entry in ClinVar:

NM_182943.3(PLOD2):c.8dup (p.Cys4fs)

Gene: PLOD2 (procollagen-lysine,2-oxoglutarate 5-dioxygenase 2; minus strand). Cytogenetic location: 3q24.
Variant type: Duplication.
Coding change: c.8dup on transcript NM_182943.3 (MANE Select); coding-DNA position 8, one base duplicated (G; older notation c.8dupG).
Protein change: p.Cys4fs; shifts the reading frame from cysteine 4.
Molecular consequence: frameshift variant, initiator codon variant.
Genome position (GRCh38, 1-based): chr3:146,160,982, C duplicated on the plus strand (G on the coding strand, the reverse complement: PLOD2 is on the minus strand); the first of 6 consecutive C bases (chr3:146,160,982-146,160,987); duplicating any one gives the same sequence. VCF-style (leftmost placement, unchanged base first): chr3-146160981-T-TC. GRCh37 (hg19) VCF-style: chr3-145878768-T-TC.
Other names: c.8dup, p.Cys4fs (NM_000935.3); short protein forms C4fs.
Identifiers: ClinVar variation 1458515 (VCV001458515.8), dbSNP rs1353563172, ClinGen allele CA546903162.

ClinVar aggregate classification (germline): Pathogenic/Likely pathogenic. Review status: criteria provided, multiple submitters, no conflicts (2 of 4 stars). 3 submissions from 3 submitters: Pathogenic (1); Likely pathogenic (2). Last evaluated 2024-06-12.

Conditions:
Osteogenesis imperfecta (OI). Identifiers: Orphanet 666, MedGen C0029434, MeSH D010013, MONDO:0019019.
Bruck syndrome 2 (BRKS2). Also called: OSTEOGENESIS IMPERFECTA WITH CONGENITAL JOINT CONTRACTURES. Identifiers: Orphanet 2771, MedGen C1836602, MONDO:0012217, OMIM 609220.

Submissions (3):

Fulgent Genetics
Classification: Likely pathogenic for Bruck syndrome 2. Last evaluated: 2024-06-12. Review status: criteria provided, single submitter. Criteria: ACMG Guidelines, 2015. Collection method: clinical testing. Allele origin: germline.

Women's Health and Genetics/Laboratory Corporation of America, LabCorp
Classification: Likely pathogenic for Osteogenesis imperfecta. Last evaluated: 2022-05-13. Review status: criteria provided, single submitter. Criteria: LabCorp Variant Classification Summary - May 2015. Collection method: clinical testing. Allele origin: germline.
Comment: Variant summary: PLOD2 c.8dupG (p.Cys4MetfsX35) results in a premature termination codon, predicted to cause a truncation of the encoded protein or absence of the protein due to nonsense mediated decay, which are commonly known mechanisms for disease. Truncations downstream of this position have been classified as pathogenic within ClinVar (e.g. c.1275G>A [p.Trp425Ter]; c.2038C>T, [p.Arg680Ter]). The variant allele was found at a frequency of 1.6e-05 in 183234 control chromosomes (gnomAD). To our knowledge, no occurrence of c.8dupG in individuals affected with Osteogenesis Imperfecta and no experimental evidence demonstrating its impact on protein function have been reported. One ClinVar submitter has assessed the variant since 2014: it was classified as pathogenic. Based on the evidence outlined above, the variant was classified as likely pathogenic.

Labcorp Genetics (formerly Invitae), Labcorp
Classification: Pathogenic. Last evaluated: 2022-04-09. Review status: criteria provided, single submitter. Criteria: Invitae Variant Classification Sherloc (09022015). Collection method: clinical testing. Allele origin: germline.
Comment: This sequence change creates a premature translational stop signal (p.Cys4Metfs*35) in the PLOD2 gene. It is expected to result in an absent or disrupted protein product. Loss-of-function variants in PLOD2 are known to be pathogenic (PMID: 22689593, 25238597, 29178448). The frequency data for this variant in the population databases is considered unreliable, as metrics indicate poor data quality at this position in the gnomAD database. This variant has not been reported in the literature in individuals affected with PLOD2-related conditions. For these reasons, this variant has been classified as Pathogenic.

Literature cited by the submitters: PubMed 22689593 (cited by Labcorp Genetics (formerly Invitae), Labcorp); PubMed 25238597 (cited by Labcorp Genetics (formerly Invitae), Labcorp); PubMed 29178448 (cited by Labcorp Genetics (formerly Invitae), Labcorp).